The following is an entry in ClinVar:

NM_004523.4(KIF11):c.2548-3C>T

Gene: KIF11 (kinesin family member 11; plus strand). Cytogenetic location: 10q23.33.
Variant type: single nucleotide variant.
Coding change: c.2548-3C>T on transcript NM_004523.4 (MANE Select); 3 bases into the intron before coding-DNA position 2548, C replaced by T.
Molecular consequence: intron variant.
Genome position (GRCh38, 1-based): chr10:92,648,209, C>T. VCF-style: chr10-92648209-C-T. GRCh37 (hg19) VCF-style: chr10-94407966-C-T.
Identifiers: ClinVar variation 1508709 (VCV001508709.6), dbSNP rs750872856, ClinGen allele CA5604419.

ClinVar aggregate classification (germline): Uncertain significance (1 of 4 stars; one submission).

Allele frequency attached by ClinVar (database versions not stated): gnomAD exomes below 0.00001 and 0.00001; TOPMed below 0.00001; ExAC 0.00001; gnomAD 0.00001.
gnomAD v4.1: 4 of 1,557,986 alleles (0.00026%); highest among the groups gnomAD compares: African/African-American, 0.0014%; no homozygotes.

Submission:

Labcorp Genetics (formerly Invitae), Labcorp
Classification: Uncertain significance. Last evaluated: 2025-06-12. Review status: criteria provided, single submitter. Criteria: Invitae Variant Classification Sherloc (09022015). Collection method: clinical testing. Allele origin: germline.
Comment: This sequence change falls in intron 18 of the KIF11 gene. It does not directly change the encoded amino acid sequence of the KIF11 protein. It affects a nucleotide within the consensus splice site. This variant is present in population databases (rs750872856, gnomAD 0.002%). This variant has not been reported in the literature in individuals affected with KIF11-related conditions. ClinVar contains an entry for this variant (Variation ID: 1508709). Variants that disrupt the consensus splice site are a relatively common cause of aberrant splicing (PMID: 17576681, 9536098). Algorithms developed to predict the effect of sequence changes on RNA splicing suggest that this variant is not likely to affect RNA splicing. In summary, the available evidence is currently insufficient to determine the role of this variant in disease. Therefore, it has been classified as a Variant of Uncertain Significance.

Literature cited by the submitters: PubMed 17576681; PubMed 9536098.